The following is an entry in ClinVar:

ClinVar aggregate classification (germline): Pathogenic. Review status: criteria provided, multiple submitters, no conflicts (2 of 4 stars). 4 submissions from 4 submitters: Pathogenic (3). 1 of the submissions does not count toward it. Last evaluated 2026-05-06.

Conditions:
PKD1-related disorder. Also called: PKD1-related condition.
Polycystic kidney disease, adult type (PKD1). Also called: Polycystic Kidney Disease 1, Autosomal Dominant; Polycystic kidney disease 1; Polycystic kidney disease 1, severe; Polycystic Kidney, Autosomal Dominant; POLYCYSTIC KIDNEY DISEASE 1 WITH OR WITHOUT POLYCYSTIC LIVER DISEASE; POLYCYSTIC KIDNEY DISEASE, ADULT, TYPE I. Identifiers: MedGen C3149841, MONDO:0008263, OMIM 173900.

Submissions (4):

Victorian Clinical Genetics Services, Murdoch Childrens Research Institute
Classification: Pathogenic for Polycystic kidney disease, adult type. Last evaluated: 2026-05-06. Review status: criteria provided, single submitter. Criteria: ACMG Guidelines, 2015. Collection method: clinical testing. Allele origin: germline. Affected: yes.
Comment: This variant is classified as Pathogenic. Evidence in support of pathogenic classification: Variant is predicted to cause nonsense-mediated decay (NMD) and loss of protein (premature termination codon is located at least 54 nucleotides upstream of the final exon-exon junction); Variant is present in gnomAD <0.001 for a dominant condition (v2: 1 heterozygote(s), 0 homozygote(s)); This variant has limited previous evidence of pathogenicity in an unrelated individual(s). This variant has been classified as pathogenic by a clinical laboratory in ClinVar; Other NMD-predicted variant(s) comparable to the one identified in this case have very strong previous evidence for pathogenicity (DECIPHER). Additional information: This variant is heterozygous; This gene is associated with autosomal dominant disease. Polycystic kidney disease 1 (MIM#173900) is predominantly caused by monoallelic variants, with rare reports of biallelic variants causing disease (OMIM); Loss of function is a known mechanism of disease in this gene and is associated with polycystic kidney disease 1 (MIM#173900). - Inheritance information for this variant is not currently available in this individual.

GeneDx
Classification: Pathogenic. Last evaluated: 2024-07-25. Review status: criteria provided, single submitter. Criteria: GeneDx Variant Classification Process June 2021. Collection method: clinical testing. Allele origin: germline. Affected: yes.
Comment: Identified in a patient with familial autosomal dominant polycystic kidney disease (ADPKD) and in a cohort of patients with end-stage renal disease in published literature (PMID: 15772804, 30586318); Not observed at significant frequency in large population cohorts (gnomAD); Nonsense variant predicted to result in protein truncation or nonsense mediated decay in a gene for which loss of function is a known mechanism of disease; This variant is associated with the following publications: (PMID: 25525159, 15772804, 30586318, 30631912)

Blueprint Genetics
Classification: Pathogenic for PKD1-related disorders. Last evaluated: 2023-05-09. Review status: criteria provided, single submitter. Criteria: ACMG Guidelines, 2015. Collection method: clinical testing. Allele origin: germline. Affected: yes. Observed: 1 variant allele.

Gharavi Laboratory, Columbia University
Classification: Pathogenic. Last evaluated: 2018-09-16. Review status: no assertion criteria provided. Criteria: ACMG Guidelines, 2015. Collection method: research. Allele origin: germline. Affected: yes. Not counted in ClinVar's aggregate classification.

NM_001009944.3(PKD1):c.10151C>G (p.Ser3384Ter)

Gene: PKD1 (polycystin 1, transient receptor potential channel interacting; minus strand). Cytogenetic location: 16p13.3.
Variant type: single nucleotide variant.
Coding change: c.10151C>G on transcript NM_001009944.3 (MANE Select); coding-DNA position 10151, C replaced by G.
Protein change: p.Ser3384Ter; replaces serine 3384 with a stop codon.
Molecular consequence: nonsense.
Genome position (GRCh38, 1-based): chr16:2,097,884, G>C on the plus strand (C>G on the coding strand, the complement: PKD1 is on the minus strand). VCF-style: chr16-2097884-G-C. GRCh37 (hg19) VCF-style: chr16-2147885-G-C.
Other names: c.10151C>G, p.Ser3384Ter (NM_000296.4); c.10151C>G (NM_001009944.2); short protein forms S3384*.
Identifiers: ClinVar variation 562255 (VCV000562255.4), dbSNP rs1383556063, ClinGen allele CA394348107.
Genomic context (GRCh38, chr16:2,097,884, plus strand): 5'-GCAGGACCCCCAGCCCAGCCCAGGACCCCCAGTAGAGTCCTCACCTCAGCGTGGAGGCCT[G>C]AGAACGTGAGGAAGGAGCTGTCCAGCACGGACGAGTCCAGGCAGCTGTCGATGTCCAGCA-3'